The following is an entry in ClinVar:

NM_177438.3(DICER1):c.1600G>C (p.Val534Leu)

Gene: DICER1 (dicer 1, ribonuclease III; minus strand). Cytogenetic location: 14q32.13.
Variant type: single nucleotide variant.
Coding change: c.1600G>C on transcript NM_177438.3 (MANE Select); coding-DNA position 1600, G replaced by C.
Protein change: p.Val534Leu; replaces valine 534 with leucine.
Molecular consequence: missense variant. On other transcripts: non-coding transcript variant (6), intron variant (1).
Genome position (GRCh38, 1-based): chr14:95,116,605, C>G on the plus strand (G>C on the coding strand, the complement: DICER1 is on the minus strand). VCF-style: chr14-95116605-C-G. GRCh37 (hg19) VCF-style: chr14-95582942-C-G.
Other names: c.1600G>C, p.Val534Leu (NM_001195573.1, NM_001271282.3, NM_001291628.2 and 12 more transcripts); c.1318G>C, p.Val440Leu (NM_001395686.1); c.1195G>C, p.Val399Leu (NM_001395687.1, NM_001395688.1, NM_001395689.1 and 3 more transcripts); c.1033G>C, p.Val345Leu (NM_001395691.1); c.-59-25G>C (NM_001395697.1); short protein forms V345L, V534L, V440L, V399L.
Identifiers: ClinVar variation 3501947 (VCV003501947.1).

ClinVar aggregate classification (germline): Uncertain significance (1 of 4 stars; one submission).

Conditions:
Hereditary cancer-predisposing syndrome. Also called: Tumor predisposition; Neoplastic Syndromes, Hereditary; Hereditary Cancer Syndrome; Hereditary neoplastic syndrome. Identifiers: Orphanet 140162, MedGen C0027672, MeSH D009386, MONDO:0015356.

Submission:

Ambry Genetics
Classification: Uncertain significance for Hereditary cancer-predisposing syndrome. Last evaluated: 2024-11-08. Review status: criteria provided, single submitter. Criteria: Ambry Variant Classification Scheme 2023. Collection method: clinical testing. Allele origin: germline.
Comment: The p.V534L variant (also known as c.1600G>C), located in coding exon 9 of the DICER1 gene, results from a G to C substitution at nucleotide position 1600. The valine at codon 534 is replaced by leucine, an amino acid with highly similar properties. This amino acid position is conserved. In addition, this alteration is predicted to be deleterious by in silico analysis. Based on the available evidence, the clinical significance of this variant remains unclear.